The following is an entry in ClinVar:

ClinVar aggregate classification (germline): Uncertain significance. Review status: criteria provided, multiple submitters, no conflicts (2 of 4 stars). 2 submissions from 2 submitters: Uncertain significance (2). Last evaluated 2022-11-30.

Allele frequency attached by ClinVar (database versions not stated): TOPMed 0.00001; ExAC 0.00002; gnomAD 0.00002; 1000 Genomes Project 30x 0.00031; 1000 Genomes Project 0.00040.
gnomAD v4.1: 21 of 1,613,798 alleles (0.0013%); highest among the groups gnomAD compares: African/African-American, 0.011%; no homozygotes.

Submissions (2):

Blueprint Genetics
Classification: Uncertain significance. Last evaluated: 2022-11-30. Review status: criteria provided, single submitter. Criteria: ACMG Guidelines, 2015. Collection method: clinical testing. Allele origin: germline.

Labcorp Genetics (formerly Invitae), Labcorp
Classification: Uncertain significance. Last evaluated: 2022-08-06. Review status: criteria provided, single submitter. Criteria: Invitae Variant Classification Sherloc (09022015). Collection method: clinical testing. Allele origin: germline.
Comment: This sequence change replaces serine, which is neutral and polar, with glycine, which is neutral and non-polar, at codon 608 of the LRP2 protein (p.Ser608Gly). This variant is present in population databases (rs113282361, gnomAD 0.01%). This variant has not been reported in the literature in individuals affected with LRP2-related conditions. ClinVar contains an entry for this variant (Variation ID: 1021359). Algorithms developed to predict the effect of missense changes on protein structure and function are either unavailable or do not agree on the potential impact of this missense change (SIFT: "Deleterious"; PolyPhen-2: "Benign"; Align-GVGD: "Class C0"). Algorithms developed to predict the effect of sequence changes on RNA splicing suggest that this variant may create or strengthen a splice site. In summary, the available evidence is currently insufficient to determine the role of this variant in disease. Therefore, it has been classified as a Variant of Uncertain Significance.

NM_004525.3(LRP2):c.1822A>G (p.Ser608Gly)

Gene: LRP2 (LDL receptor related protein 2; minus strand). Cytogenetic location: 2q31.1.
Variant type: single nucleotide variant.
Coding change: c.1822A>G on transcript NM_004525.3 (MANE Select); coding-DNA position 1822, A replaced by G.
Protein change: p.Ser608Gly; replaces serine 608 with glycine.
Molecular consequence: missense variant.
Genome position (GRCh38, 1-based): chr2:169,275,189, T>C on the plus strand (A>G on the coding strand, the complement: LRP2 is on the minus strand). VCF-style: chr2-169275189-T-C. GRCh37 (hg19) VCF-style: chr2-170131699-T-C.
Other names: short protein forms S608G.
Identifiers: ClinVar variation 1021359 (VCV001021359.7), dbSNP rs113282361, ClinGen allele CA1955457.
Genomic context (GRCh38, chr2:169,275,189, plus strand): 5'-TTGCCTTCAGCACGGCCATCTTTGTCCAATCTGTAAAGAACACCTGACCTTCAAATAAGC[T>C]TACTCCAAAGGGATGAGGAATGAGGGAGCCTCCATGAACTACAGTCTTCCTGTTATAAAA-3'
Protein context (NP_004516.2, residues 598-618): GSLIPHPFGV[Ser608Gly]LFEGQVFFTD